The following is an entry in ClinVar:

ClinVar aggregate classification (germline): Uncertain significance (1 of 4 stars; one submission).

Conditions:
Ehlers-Danlos syndrome, classic type, 1 (EDSCL1). Also called: EDS I; EHLERS-DANLOS SYNDROME, GRAVIS TYPE; EHLERS-DANLOS SYNDROME, SEVERE CLASSIC TYPE; Ehlers-Danlos syndrome, type 1; Ehlers-Danlos Syndrome, Classic Type, COL5A1-Related. Identifiers: MedGen C0268335, MONDO:0019567, OMIM 130000.

Submission:

Labcorp Genetics (formerly Invitae), Labcorp
Classification: Uncertain significance for Ehlers-Danlos syndrome, classic type, 1. Last evaluated: 2023-07-25. Review status: criteria provided, single submitter. Criteria: Invitae Variant Classification Sherloc (09022015). Collection method: clinical testing. Allele origin: germline.
Comment: This sequence change replaces aspartic acid, which is acidic and polar, with asparagine, which is neutral and polar, at codon 1072 of the COL5A2 protein (p.Asp1072Asn). This variant is not present in population databases (gnomAD no frequency). This variant has not been reported in the literature in individuals affected with COL5A2-related conditions. Advanced modeling of protein sequence and biophysical properties (such as structural, functional, and spatial information, amino acid conservation, physicochemical variation, residue mobility, and thermodynamic stability) performed at Invitae indicates that this missense variant is not expected to disrupt COL5A2 protein function. In summary, the available evidence is currently insufficient to determine the role of this variant in disease. Therefore, it has been classified as a Variant of Uncertain Significance.

NM_000393.5(COL5A2):c.3214G>A (p.Asp1072Asn)

Gene: COL5A2 (collagen type V alpha 2 chain; minus strand). Cytogenetic location: 2q32.2.
Variant type: single nucleotide variant.
Coding change: c.3214G>A on transcript NM_000393.5 (MANE Select); coding-DNA position 3214, G replaced by A.
Protein change: p.Asp1072Asn; replaces aspartic acid 1072 with asparagine.
Molecular consequence: missense variant.
Genome position (GRCh38, 1-based): chr2:189,045,895, C>T on the plus strand (G>A on the coding strand, the complement: COL5A2 is on the minus strand). VCF-style: chr2-189045895-C-T. GRCh37 (hg19) VCF-style: chr2-189910621-C-T.
Other names: short protein forms D1072N.
Identifiers: ClinVar variation 2981936 (VCV002981936.3), dbSNP rs2469239941, ClinGen allele CA349862800.